The following is an entry in ClinVar:

NM_005188.4(CBL):c.1069C>G (p.Pro357Ala)

Gene: CBL (Cbl proto-oncogene; plus strand). Cytogenetic location: 11q23.3.
Variant type: single nucleotide variant.
Coding change: c.1069C>G on transcript NM_005188.4 (MANE Select); coding-DNA position 1069, C replaced by G.
Protein change: p.Pro357Ala; replaces proline 357 with alanine.
Molecular consequence: missense variant.
Genome position (GRCh38, 1-based): chr11:119,277,818, C>G. VCF-style: chr11-119277818-C-G. GRCh37 (hg19) VCF-style: chr11-119148528-C-G.
Other names: short protein forms P357A.
Identifiers: ClinVar variation 3485625 (VCV003485625.1).

ClinVar aggregate classification (germline): Uncertain significance (1 of 4 stars; one submission).

Conditions:
Cardiovascular phenotype. Identifiers: MedGen CN230736.

Submission:

Ambry Genetics
Classification: Uncertain significance for Cardiovascular phenotype. Last evaluated: 2024-12-02. Review status: criteria provided, single submitter. Criteria: Ambry Variant Classification Scheme 2023. Collection method: clinical testing. Allele origin: germline.
Comment: The p.P357A variant (also known as c.1069C>G), located in coding exon 7 of the CBL gene, results from a C to G substitution at nucleotide position 1069. The proline at codon 357 is replaced by alanine, an amino acid with highly similar properties. This amino acid position is conserved. In addition, this alteration is predicted to be deleterious by in silico analysis. Based on the available evidence, the clinical significance of this variant remains unclear.